The following is an entry in ClinVar:

NM_001374504.1(TMPRSS6):c.2211G>A (p.Leu737=)

Gene: TMPRSS6 (transmembrane serine protease 6; minus strand). Cytogenetic location: 22q12.3.
Variant type: single nucleotide variant.
Coding change: c.2211G>A on transcript NM_001374504.1 (MANE Select); coding-DNA position 2211, G replaced by A.
Protein change: p.Leu737=; no amino-acid change (leucine 737 retained).
Molecular consequence: synonymous variant.
Genome position (GRCh38, 1-based): chr22:37,066,865, C>T on the plus strand (G>A on the coding strand, the complement: TMPRSS6 is on the minus strand). VCF-style: chr22-37066865-C-T. GRCh37 (hg19) VCF-style: chr22-37462905-C-T.
Other names: c.2277G>A, p.Leu759= (NM_001289000.2); c.2211G>A, p.Leu737= (NM_001289001.2, NM_153609.4).
Identifiers: ClinVar variation 4533520 (VCV004533520.7).

ClinVar aggregate classification (germline): Likely benign. Review status: criteria provided, multiple submitters, no conflicts (2 of 4 stars). 2 submissions from 2 submitters: Likely benign (2). Last evaluated 2025-11-01.

gnomAD v4.1: 202 of 1,614,082 alleles (0.013%); highest among the groups gnomAD compares: Non-Finnish European, 0.017%; no homozygotes.

Submissions (2):

CeGaT Center for Human Genetics Tuebingen
Classification: Likely benign. Last evaluated: 2025-11-01. Review status: criteria provided, single submitter. Criteria: CeGaT Center For Human Genetics Tuebingen Variant Classification Criteria Version 2. Collection method: clinical testing. Allele origin: germline. Affected: yes. Observed: 1 variant allele.
Comment: TMPRSS6: BP4, BP7

Blueprint Genetics
Classification: Likely benign. Last evaluated: 2024-11-28. Review status: criteria provided, single submitter. Criteria: ACMG Guidelines, 2015. Collection method: clinical testing. Allele origin: germline.